The following is an entry in ClinVar:

ClinVar aggregate classification (germline): Uncertain significance (1 of 4 stars; one submission).

Submission:

Labcorp Genetics (formerly Invitae), Labcorp
Classification: Uncertain significance. Last evaluated: 2021-11-26. Review status: criteria provided, single submitter. Criteria: Invitae Variant Classification Sherloc (09022015). Collection method: clinical testing. Allele origin: germline.
Comment: This sequence change replaces aspartic acid, which is acidic and polar, with tyrosine, which is neutral and polar, at codon 4252 of the LRP2 protein (p.Asp4252Tyr). This variant is not present in population databases (gnomAD no frequency). This missense change has been observed in individual(s) with clinical features of Donnai-Barrow syndrome (Invitae). Algorithms developed to predict the effect of missense changes on protein structure and function are either unavailable or do not agree on the potential impact of this missense change (SIFT: "Deleterious"; PolyPhen-2: "Possibly Damaging"; Align-GVGD: "Class C15"). Algorithms developed to predict the effect of sequence changes on RNA splicing suggest that this variant may create or strengthen a splice site. In summary, the available evidence is currently insufficient to determine the role of this variant in disease. Therefore, it has been classified as a Variant of Uncertain Significance.

NM_004525.3(LRP2):c.12754G>T (p.Asp4252Tyr)

Gene: LRP2 (LDL receptor related protein 2; minus strand). Cytogenetic location: 2q31.1.
Variant type: single nucleotide variant.
Coding change: c.12754G>T on transcript NM_004525.3 (MANE Select); coding-DNA position 12754, G replaced by T.
Protein change: p.Asp4252Tyr; replaces aspartic acid 4252 with tyrosine.
Molecular consequence: missense variant.
Genome position (GRCh38, 1-based): chr2:169,146,796, C>A on the plus strand (G>T on the coding strand, the complement: LRP2 is on the minus strand). VCF-style: chr2-169146796-C-A. GRCh37 (hg19) VCF-style: chr2-170003306-C-A.
Other names: short protein forms D4252Y.
Identifiers: ClinVar variation 1395080 (VCV001395080.6), dbSNP rs2105348449, ClinGen allele CA349129587.